The following is an entry in ClinVar:

NM_000310.4(PPT1):c.799del

Gene: PPT1 (palmitoyl-protein thioesterase 1; minus strand). Cytogenetic location: 1p34.2.
Variant type: Deletion.
Coding change: c.799del on transcript NM_000310.4 (MANE Select); coding-DNA position 799, one base deleted (G; older notation c.799delG).
Molecular consequence: splice acceptor variant.
Genome position (GRCh38, 1-based): chr1:40,074,183, C deleted on the plus strand (G on the coding strand, the reverse complement: PPT1 is on the minus strand); the first of 2 consecutive C bases (chr1:40,074,183-40,074,184); deleting either gives the same sequence. VCF-style (leftmost placement, unchanged base first): chr1-40074182-TC-T. GRCh37 (hg19) VCF-style: chr1-40539854-TC-T.
Identifiers: ClinVar variation 863395 (VCV000863395.11), dbSNP rs1648444864, ClinGen allele CA916082013.

ClinVar aggregate classification (germline): Likely pathogenic. Review status: criteria provided, multiple submitters, no conflicts (2 of 4 stars). 2 submissions from 2 submitters: Likely pathogenic (2). Last evaluated 2023-11-20.

Conditions:
Neuronal ceroid lipofuscinosis 1 (CLN1). Also called: CEROID LIPOFUSCINOSIS, NEURONAL, 1, VARIABLE AGE AT ONSET; PPT1-Related Neuronal Ceroid-Lipofuscinosis. Identifiers: Orphanet 228329, MedGen C1850451, MONDO:0009744, OMIM 256730.

Submissions (2):

3billion
Classification: Likely pathogenic for Neuronal ceroid lipofuscinosis 1. Last evaluated: 2023-11-20. Review status: criteria provided, single submitter. Criteria: ACMG Guidelines, 2015. Collection method: clinical testing. Allele origin: germline. Affected: yes.
Comment: The variant is not observed in the gnomAD v2.1.1 dataset. Predicted Consequence/Location: Frameshift: predicted to result in a loss or disruption of normal protein function through protein truncation. The predicted truncated protein may be shortened by more than 10%. The variant has been reported to be associated with PPT1 related disorder (ClinVar ID: VCV000863395). Therefore, this variant is classified as Likely pathogenic according to the recommendation of ACMG/AMP guideline.

Labcorp Genetics (formerly Invitae), Labcorp
Classification: Likely pathogenic for Neuronal ceroid lipofuscinosis 1. Last evaluated: 2023-07-26. Review status: criteria provided, single submitter. Criteria: Invitae Variant Classification Sherloc (09022015). Collection method: clinical testing. Allele origin: germline.
Comment: This sequence change creates a premature translational stop signal (p.Asp267Thrfs*5) in the PPT1 gene. While this is not anticipated to result in nonsense mediated decay, it is expected to disrupt the last 40 amino acid(s) of the PPT1 protein. In summary, the currently available evidence indicates that the variant is pathogenic, but additional data are needed to prove that conclusively. Therefore, this variant has been classified as Likely Pathogenic. This variant disrupts the C-terminus of the PPT1 protein. Other variant(s) that disrupt this region (p.Q291*, p.W296*) have been observed in individuals with PPT1-related conditions (PMID: 9664077, 10649502). This suggests that this may be a clinically significant region of the protein. Algorithms developed to predict the effect of sequence changes on RNA splicing suggest that this variant may disrupt the consensus splice site. ClinVar contains an entry for this variant (Variation ID: 863395). This variant has not been reported in the literature in individuals affected with PPT1-related conditions. This variant is not present in population databases (gnomAD no frequency).

Literature cited by the submitters: PubMed 9664077 (cited by Labcorp Genetics (formerly Invitae), Labcorp); PubMed 10649502 (cited by Labcorp Genetics (formerly Invitae), Labcorp).